The following is an entry in ClinVar:

NM_001372051.1(CASP8):c.342A>T (p.Arg114Ser)

Gene: CASP8 (caspase 8; plus strand). Cytogenetic location: 2q33.1.
Variant type: single nucleotide variant.
Coding change: c.342A>T on transcript NM_001372051.1 (MANE Select); coding-DNA position 342, A replaced by T.
Protein change: p.Arg114Ser; replaces arginine 114 with serine.
Molecular consequence: missense variant. On other transcripts: 5 prime UTR variant (11), non-coding transcript variant (19).
Genome position (GRCh38, 1-based): chr2:201,271,552, A>T. VCF-style: chr2-201271552-A-T. GRCh37 (hg19) VCF-style: chr2-202136275-A-T.
Other names: c.342A>T, p.Arg114Ser (NM_001400645.1, NM_001400648.1, NM_001400651.1 and 20 more transcripts); c.438A>T, p.Arg146Ser (NM_001228.5); c.519A>T, p.Arg173Ser (NM_001400642.1, NM_001080125.2, NM_001400665.1); c.33A>T, p.Arg11Ser (NM_001400669.1); c.-191A>T (NM_001400671.1, NM_001400672.1, NM_001400673.1 and 6 more transcripts); c.-372A>T (NM_001400674.1); c.-270A>T (NM_001400680.1); short protein forms R11S, R173S, R114S, R146S.
Identifiers: ClinVar variation 2051483 (VCV002051483.1), dbSNP rs948804615, ClinGen allele CA63882659.

ClinVar aggregate classification (germline): Uncertain significance (1 of 4 stars; one submission).

Conditions:
Autoimmune lymphoproliferative syndrome type 2B. Also called: AUTOIMMUNE LYMPHOPROLIFERATIVE SYNDROME, TYPE IIB. Identifiers: Orphanet 275517, MedGen C1846545, MONDO:0011804, OMIM 607271.

Allele frequency attached by ClinVar (database versions not stated): gnomAD exomes below 0.00001; gnomAD 0.00001; TOPMed 0.00002.
gnomAD v4.1: 5 of 1,610,806 alleles (0.00031%); highest among the groups gnomAD compares: African/African-American, 0.0067%; no homozygotes.

Submission:

Labcorp Genetics (formerly Invitae), Labcorp
Classification: Uncertain significance for Autoimmune lymphoproliferative syndrome type 2B. Last evaluated: 2021-12-21. Review status: criteria provided, single submitter. Criteria: Invitae Variant Classification Sherloc (09022015). Collection method: clinical testing. Allele origin: germline.
Comment: This sequence change replaces arginine, which is basic and polar, with serine, which is neutral and polar, at codon 146 of the CASP8 protein (p.Arg146Ser). This variant is not present in population databases (gnomAD no frequency). This variant has not been reported in the literature in individuals affected with CASP8-related conditions. Algorithms developed to predict the effect of missense changes on protein structure and function output the following: SIFT: "Tolerated"; PolyPhen-2: "Benign"; Align-GVGD: "Class C0". The serine amino acid residue is found in multiple mammalian species, which suggests that this missense change does not adversely affect protein function. In summary, the available evidence is currently insufficient to determine the role of this variant in disease. Therefore, it has been classified as a Variant of Uncertain Significance.